The following is an entry in ClinVar:

NM_006445.4(PRPF8):c.4987G>A (p.Asp1663Asn)

Gene: PRPF8 (pre-mRNA processing factor 8; minus strand). Cytogenetic location: 17p13.3.
Variant type: single nucleotide variant.
Coding change: c.4987G>A on transcript NM_006445.4 (MANE Select); coding-DNA position 4987, G replaced by A.
Protein change: p.Asp1663Asn; replaces aspartic acid 1663 with asparagine.
Molecular consequence: missense variant.
Genome position (GRCh38, 1-based): chr17:1,659,508, C>T on the plus strand (G>A on the coding strand, the complement: PRPF8 is on the minus strand). VCF-style: chr17-1659508-C-T. GRCh37 (hg19) VCF-style: chr17-1562802-C-T.
Other names: short protein forms D1663N.
Identifiers: ClinVar variation 1996555 (VCV001996555.4), dbSNP rs2543729542, ClinGen allele CA397574182.

ClinVar aggregate classification (germline): Uncertain significance (1 of 4 stars; one submission).

Submission:

Labcorp Genetics (formerly Invitae), Labcorp
Classification: Uncertain significance. Last evaluated: 2023-07-07. Review status: criteria provided, single submitter. Criteria: Invitae Variant Classification Sherloc (09022015). Collection method: clinical testing. Allele origin: germline.
Comment: This sequence change replaces aspartic acid, which is acidic and polar, with asparagine, which is neutral and polar, at codon 1663 of the PRPF8 protein (p.Asp1663Asn). This variant is not present in population databases (gnomAD no frequency). This variant has not been reported in the literature in individuals affected with PRPF8-related conditions. ClinVar contains an entry for this variant (Variation ID: 1996555). Advanced modeling of protein sequence and biophysical properties (such as structural, functional, and spatial information, amino acid conservation, physicochemical variation, residue mobility, and thermodynamic stability) performed at Invitae indicates that this missense variant is expected to disrupt PRPF8 protein function. In summary, the available evidence is currently insufficient to determine the role of this variant in disease. Therefore, it has been classified as a Variant of Uncertain Significance.